The following is an entry in ClinVar:

ClinVar aggregate classification (germline): Benign. Review status: criteria provided, multiple submitters, no conflicts (2 of 4 stars). 3 submissions from 3 submitters: Benign (3). Last evaluated 2024-07-31.

Allele frequency attached by ClinVar (database versions not stated): 1000 Genomes Project 0.16314; 1000 Genomes Project 30x 0.16880; TOPMed 0.21762; gnomAD 0.22255 and 0.23142.
gnomAD v4.1: 226,726 of 1,160,864 alleles (20%); highest among the groups gnomAD compares: African/African-American, 32%; 24,913 homozygotes.

Submissions (3):

Unidad de Genómica Garrahan, Hospital de Pediatría Garrahan
Classification: Benign. Last evaluated: 2024-07-31. Review status: criteria provided, single submitter. Criteria: ACMG Guidelines, 2015. Collection method: clinical testing. Allele origin: germline. Affected: no. Observed: 20 variant alleles.
Comment: This variant is classified as Benign based on local population frequency. This variant was detected in 22% of patients studied in a panel designed for Epileptic and Developmental Encephalopathy, Progressive Myoclonus Epilepsy and Abnormal Movements and Neurodegeneration with brain iron accumulation. Number of patients: 20. Only high quality variants are reported.

GeneDx
Classification: Benign. Last evaluated: 2018-06-14. Review status: criteria provided, single submitter. Criteria: GeneDx Variant Classification (06012015). Collection method: clinical testing. Allele origin: germline. Affected: yes.
Comment: This variant is considered likely benign or benign based on one or more of the following criteria: it is a conservative change, it occurs at a poorly conserved position in the protein, it is predicted to be benign by multiple in silico algorithms, and/or has population frequency not consistent with disease.

Breakthrough Genomics
Classification: Benign. Review status: criteria provided, single submitter. Criteria: ACMG Guidelines, 2015. Collection method: not provided. Allele origin: germline. Inheritance: Autosomal recessive inheritance. Affected: yes.

NM_025150.5(TARS2):c.513-98C>G

Gene: TARS2 (threonyl-tRNA synthetase 2, mitochondrial; plus strand). Cytogenetic location: 1q21.2.
Variant type: single nucleotide variant.
Coding change: c.513-98C>G on transcript NM_025150.5 (MANE Select); 98 bases into the intron before coding-DNA position 513, C replaced by G.
Molecular consequence: intron variant.
Genome position (GRCh38, 1-based): chr1:150,491,296, C>G. VCF-style: chr1-150491296-C-G. GRCh37 (hg19) VCF-style: chr1-150463772-C-G.
Other names: c.513-98C>G (NM_001271895.2, NM_001271896.2).
Identifiers: ClinVar variation 676424 (VCV000676424.4), dbSNP rs7542068, ClinGen allele CA10738827.